The following is an entry in ClinVar:

NM_130468.4(CHST14):c.643C>T (p.Pro215Ser)

Gene: CHST14 (carbohydrate sulfotransferase 14; plus strand). Cytogenetic location: 15q15.1.
Variant type: single nucleotide variant.
Coding change: c.643C>T on transcript NM_130468.4 (MANE Select); coding-DNA position 643, C replaced by T.
Protein change: p.Pro215Ser; replaces proline 215 with serine.
Molecular consequence: missense variant.
Genome position (GRCh38, 1-based): chr15:40,471,856, C>T. VCF-style: chr15-40471856-C-T. GRCh37 (hg19) VCF-style: chr15-40764055-C-T.
Other names: short protein forms P215S.
Identifiers: ClinVar variation 5020144 (VCV005020144.1).

ClinVar aggregate classification (germline): Uncertain significance (1 of 4 stars; one submission).

Submission:

Dasa
Classification: Uncertain significance. Last evaluated: 2026-07-23. Review status: criteria provided, single submitter. Criteria: DASA Assertion Criteria. Collection method: clinical testing. Allele origin: germline.
Comment: NM_130468.4(CHST14):c.643C>T (p.Pro215Ser) is a missense variant that results in the substitution of proline with serine. This variant is absent from population databases. Computational prediction algorithms are consistent with a deleterious effect. The currently available literature and clinical evidence are not sufficient to establish a definitive association between this variant and the reported condition. Therefore, this variant is classified as a variant of uncertain significance.